The following is an entry in ClinVar:

ClinVar aggregate classification (germline): Uncertain significance (1 of 4 stars; one submission).

gnomAD v4.1: 9 of 1,613,116 alleles (0.00056%); highest among the groups gnomAD compares: African/African-American, 0.0027%; no homozygotes.

Submission:

Labcorp Genetics (formerly Invitae), Labcorp
Classification: Uncertain significance. Last evaluated: 2025-08-20. Review status: criteria provided, single submitter. Criteria: Invitae Variant Classification Sherloc (09022015). Collection method: clinical testing. Allele origin: germline.
Comment: This sequence change replaces serine, which is neutral and polar, with asparagine, which is neutral and polar, at codon 812 of the RP1 protein (p.Ser812Asn). This variant is present in population databases (no rsID available, gnomAD 0.007%). This variant has not been reported in the literature in individuals affected with RP1-related conditions. An algorithm developed to predict the effect of missense changes on protein structure and function outputs the following: PolyPhen-2: "Benign". The asparagine amino acid residue is found in multiple mammalian species, which suggests that this missense change does not adversely affect protein function. In summary, the available evidence is currently insufficient to determine the role of this variant in disease. Therefore, it has been classified as a Variant of Uncertain Significance.

NM_006269.2(RP1):c.2435G>A (p.Ser812Asn)

Gene: RP1 (RP1 axonemal microtubule associated; plus strand). Cytogenetic location: 8q12.1.
Variant type: single nucleotide variant.
Coding change: c.2435G>A on transcript NM_006269.2 (MANE Select); coding-DNA position 2435, G replaced by A.
Protein change: p.Ser812Asn; replaces serine 812 with asparagine.
Molecular consequence: missense variant. On other transcripts: intron variant (1).
Genome position (GRCh38, 1-based): chr8:54,626,317, G>A. VCF-style: chr8-54626317-G-A. GRCh37 (hg19) VCF-style: chr8-55538877-G-A.
Other names: c.787+4029G>A (NM_001375654.1); short protein forms S812N.
Identifiers: ClinVar variation 4760823 (VCV004760823.1).
Genomic context (GRCh38, chr8:54,626,317, plus strand): 5'-AAAGAGAAATCGGTCAAAGAGATAAAGTGTTTCCTCACAATGAATCTAAATATTGCAAAA[G>A]TACTTTTGAAAACAAAAGTTTATTTCATGTATTTAACATCCTTGAGCAAAAACCCAAAGA-3'
Protein context (NP_006260.1, residues 802-822): FPHNESKYCK[Ser812Asn]TFENKSLFHV